The following is an entry in ClinVar:

ClinVar aggregate classification (germline): Pathogenic/Likely pathogenic. Review status: criteria provided, multiple submitters, no conflicts (2 of 4 stars). 2 submissions from 2 submitters: Pathogenic (1); Likely pathogenic (1). Last evaluated 2023-08-02.

Conditions:
Retinitis pigmentosa 39 (RP39). Identifiers: Orphanet 791, MedGen C3151138, MONDO:0013436, OMIM 613809.

Submissions (2):

Labcorp Genetics (formerly Invitae), Labcorp
Classification: Pathogenic. Last evaluated: 2023-08-02. Review status: criteria provided, single submitter. Criteria: Invitae Variant Classification Sherloc (09022015). Collection method: clinical testing. Allele origin: germline.
Comment: This sequence change creates a premature translational stop signal (p.Asn4762Glyfs*37) in the USH2A gene. It is expected to result in an absent or disrupted protein product. Loss-of-function variants in USH2A are known to be pathogenic (PMID: 10729113, 10909849, 20507924, 25649381). This variant is not present in population databases (gnomAD no frequency). This variant has not been reported in the literature in individuals affected with USH2A-related conditions. Algorithms developed to predict the effect of sequence changes on RNA splicing suggest that this variant may disrupt the consensus splice site. For these reasons, this variant has been classified as Pathogenic.

Baylor Genetics
Classification: Likely pathogenic for Retinitis pigmentosa 39. Last evaluated: 2022-07-08. Review status: criteria provided, single submitter. Criteria: ACMG Guidelines, 2015. Collection method: clinical testing. Allele origin: unknown.

Literature cited by the submitters: PubMed 10729113 (cited by Labcorp Genetics (formerly Invitae), Labcorp); PubMed 10909849 (cited by Labcorp Genetics (formerly Invitae), Labcorp); PubMed 20507924 (cited by Labcorp Genetics (formerly Invitae), Labcorp); PubMed 25649381 (cited by Labcorp Genetics (formerly Invitae), Labcorp).

NM_206933.4(USH2A):c.14283_14304del (p.Asn4762fs)

Gene: USH2A (usherin; minus strand). Cytogenetic location: 1q41.
Variant type: Deletion.
Coding change: c.14283_14304del on transcript NM_206933.4 (MANE Select); coding-DNA positions 14283 to 14304, 22 bases deleted (CAACGGGATCGTCAGTCTCTAC).
Protein change: p.Asn4762fs; shifts the reading frame from asparagine 4762.
Molecular consequence: frameshift variant.
Genome position (GRCh38, 1-based): chr1:215,650,631-215,650,652, GTAGAGACTGACGATCCCGTTG deleted on the plus strand (CAACGGGATCGTCAGTCTCTAC on the coding strand, the reverse complement: USH2A is on the minus strand); deleting any 22 consecutive bases within chr1:215,650,631-215,650,653 gives the same sequence; the c. name uses the placement nearest the transcript's 3' end. VCF-style (leftmost placement, unchanged base first): chr1-215650630-TGTAGAGACTGACGATCCCGTTG-T. GRCh37 (hg19) VCF-style: chr1-215823972-TGTAGAGACTGACGATCCCGTTG-T.
Other names: short protein forms N4762fs.
Identifiers: ClinVar variation 2679561 (VCV002679561.4), dbSNP rs2464820450, ClinGen allele CA2695199982.
Genomic context (GRCh38, chr1:215,650,630, plus strand): 5'-GATTTTTAGCTCTGCTGCTCACCACTGTCTCAGCCCCATGGGCGCTGCTGGAGAACAGCC[TGTAGAGACTGACGATCCCGTTG>T]GGCTTCCCAGGGGCACTGATGTTGACCACTGCTTGGGTAGAAGAGATCACATGGAACGTG-3'